The following is an entry in ClinVar:

NM_000080.4(CHRNE):c.1214G>A (p.Trp405Ter)

Genes: CHRNE (cholinergic receptor nicotinic epsilon subunit; minus strand), LOC130060040 (ATAC-STARR-seq lymphoblastoid silent region 8049; plus strand). Cytogenetic location: 17p13.2.
Variant type: single nucleotide variant.
Coding change: c.1214G>A on transcript NM_000080.4 (MANE Select); coding-DNA position 1214, G replaced by A.
Protein change: p.Trp405Ter; replaces tryptophan 405 with a stop codon.
Molecular consequence: nonsense.
Genome position (GRCh38, 1-based): chr17:4,899,203, C>T on the plus strand (G>A on the coding strand, the complement: CHRNE is on the minus strand). VCF-style: chr17-4899203-C-T. GRCh37 (hg19) VCF-style: chr17-4802498-C-T.
Other names: short protein forms W405*.
Identifiers: ClinVar variation 1074055 (VCV001074055.7), dbSNP rs2151094398, ClinGen allele CA397299970.

ClinVar aggregate classification (germline): Pathogenic (1 of 4 stars; one submission).

Conditions:
Congenital myasthenic syndrome 4A. Also called: MYASTHENIC SYNDROME, CONGENITAL, 4A, SLOW-CHANNEL, AUTOSOMAL RECESSIVE; CONGENITAL MYASTHENIC SYNDROME TYPE Ia1; Myasthenic syndrome, congenital, 4a, slow-channel. Identifiers: Orphanet 590, MedGen C4225413, MONDO:0011600, OMIM 605809.

Submission:

Labcorp Genetics (formerly Invitae), Labcorp
Classification: Pathogenic for Congenital myasthenic syndrome 4A. Last evaluated: 2022-07-25. Review status: criteria provided, single submitter. Criteria: Invitae Variant Classification Sherloc (09022015). Collection method: clinical testing. Allele origin: germline.
Comment: This variant is not present in population databases (gnomAD no frequency). This variant has not been reported in the literature in individuals affected with CHRNE-related conditions. ClinVar contains an entry for this variant (Variation ID: 1074055). For these reasons, this variant has been classified as Pathogenic. This sequence change creates a premature translational stop signal (p.Trp405*) in the CHRNE gene. It is expected to result in an absent or disrupted protein product. Loss-of-function variants in CHRNE are known to be pathogenic (PMID: 22678886).

Literature cited by the submitters: PubMed 22678886.